The following is an entry in ClinVar:

ClinVar aggregate classification (germline): Uncertain significance (1 of 4 stars; one submission).

Conditions:
Episodic ataxia type 2 (EA2). Also called: ATAXIA, EPISODIC, WITH NYSTAGMUS; ATAXIA, FAMILIAL PAROXYSMAL; CEREBELLAR ATAXIA, PAROXYSMAL, ACETAZOLAMIDE-RESPONSIVE; CEREBELLOPATHY, HEREDITARY PAROXYSMAL; EPISODIC ATAXIA, NYSTAGMUS-ASSOCIATED; ACETAZOLAMIDE-RESPONSIVE HEREDITARY PAROXYSMAL CEREBELLAR ATAXIA. Identifiers: Orphanet 97, MedGen C1720416, MONDO:0007163, OMIM 108500.
Developmental and epileptic encephalopathy, 42 (DEE42A). Also called: Epileptic encephalopathy, early infantile, 42; DEVELOPMENTAL AND EPILEPTIC ENCEPHALOPATHY 42A; EPILEPTIC ENCEPHALOPATHY, EARLY INFANTILE, 42A. Identifiers: MedGen C4310716, MONDO:0014917, OMIM 617106.

Allele frequency attached by ClinVar (database versions not stated): gnomAD exomes below 0.00001; gnomAD 0.00001; TOPMed 0.00001.
gnomAD v4.1: 4 of 1,613,676 alleles (0.00025%); highest among the groups gnomAD compares: African/African-American, 0.0013%; no homozygotes.

Submission:

Labcorp Genetics (formerly Invitae), Labcorp
Classification: Uncertain significance for Developmental and epileptic encephalopathy, 42; Episodic ataxia type 2. Last evaluated: 2024-10-12. Review status: criteria provided, single submitter. Criteria: Invitae Variant Classification Sherloc (09022015). Collection method: clinical testing. Allele origin: germline.
Comment: This sequence change replaces glycine, which is neutral and non-polar, with serine, which is neutral and polar, at codon 637 of the CACNA1A protein (p.Gly637Ser). This variant is not present in population databases (gnomAD no frequency). This variant has not been reported in the literature in individuals affected with CACNA1A-related conditions. ClinVar contains an entry for this variant (Variation ID: 1421120). Invitae Evidence Modeling of protein sequence and biophysical properties (such as structural, functional, and spatial information, amino acid conservation, physicochemical variation, residue mobility, and thermodynamic stability) indicates that this missense variant is expected to disrupt CACNA1A protein function with a positive predictive value of 95%. In summary, the available evidence is currently insufficient to determine the role of this variant in disease. Therefore, it has been classified as a Variant of Uncertain Significance.

NM_001127222.2(CACNA1A):c.1906G>A (p.Gly636Ser)

Gene: CACNA1A (calcium voltage-gated channel subunit alpha1 A; minus strand). Cytogenetic location: 19p13.13.
Variant type: single nucleotide variant.
Coding change: c.1906G>A on transcript NM_001127222.2 (MANE Select); coding-DNA position 1906, G replaced by A.
Protein change: p.Gly636Ser; replaces glycine 636 with serine.
Molecular consequence: missense variant.
Genome position (GRCh38, 1-based): chr19:13,308,127, C>T on the plus strand (G>A on the coding strand, the complement: CACNA1A is on the minus strand). VCF-style: chr19-13308127-C-T. GRCh37 (hg19) VCF-style: chr19-13418941-C-T.
Other names: c.1909G>A, p.Gly637Ser (NM_000068.4, NM_001127221.2, NM_001174080.2 and 1 more transcripts); short protein forms G636S, G637S.
Identifiers: ClinVar variation 1421120 (VCV001421120.6), dbSNP rs943419160, ClinGen allele CA305511982.
Genomic context (GRCh38, chr19:13,308,127, plus strand): 5'-CCCTGAGCCTGACCCCAGGGAACCAGGAGTTGGAATTCCTGTGAAGGACTTACTGGCCGC[C>T]GAAGAGTTGCATTCCCAAAAGGGCGAAGACGACAATGAACAGGAAAAGGAGAAACAACAG-3'
Protein context (NP_001120694.1, residues 626-646): VFALLGMQLF[Gly636Ser]GQFNFDEGTP